The following is an entry in ClinVar:

ClinVar aggregate classification (germline): Uncertain significance (1 of 4 stars; one submission).

Conditions:
Hereditary cancer-predisposing syndrome. Also called: Neoplastic Syndromes, Hereditary; Tumor predisposition; Hereditary neoplastic syndrome; Hereditary Cancer Syndrome. Identifiers: Orphanet 140162, MedGen C0027672, MeSH D009386, MONDO:0015356.

Submission:

Ambry Genetics
Classification: Uncertain significance for Hereditary cancer-predisposing syndrome. Last evaluated: 2026-09-14. Review status: criteria provided, single submitter. Criteria: Ambry Variant Classification Scheme 2023. Collection method: clinical testing. Allele origin: germline.
Comment: The p.G1048A variant (also known as c.3143G>C), located in coding exon 9 of the BRCA1 gene, results from a G to C substitution at nucleotide position 3143. The glycine at codon 1048 is replaced by alanine, an amino acid with similar properties. This amino acid position is well conserved in available vertebrate species. In addition, this alteration is predicted to be tolerated by in silico analysis. Based on the available evidence, the clinical significance of this variant remains unclear.

NM_007294.4(BRCA1):c.3143G>C (p.Gly1048Ala)

Gene: BRCA1 (BRCA1 DNA repair associated; minus strand). Cytogenetic location: 17q21.31.
Variant type: single nucleotide variant.
Coding change: c.3143G>C on transcript NM_007294.4 (MANE Select); coding-DNA position 3143, G replaced by C.
Protein change: p.Gly1048Ala; replaces glycine 1048 with alanine.
Molecular consequence: missense variant. On other transcripts: intron variant (137).
Genome position (GRCh38, 1-based): chr17:43,092,388, C>G on the plus strand (G>C on the coding strand, the complement: BRCA1 is on the minus strand). VCF-style: chr17-43092388-C-G. GRCh37 (hg19) VCF-style: chr17-41244405-C-G.
Other names: c.3143G>C, p.Gly1048Ala (NM_001407618.1, NM_001407619.1, NM_001407620.1 and 30 more transcripts); c.3140G>C, p.Gly1047Ala (NM_001407627.1, NM_001407628.1, NM_001407587.1 and 22 more transcripts); c.2930G>C, p.Gly977Ala (NM_001407571.1, NM_001407915.1, NM_001407916.1 and 9 more transcripts); c.2939G>C, p.Gly980Ala (NM_001407874.1, NM_001407875.1); c.2933G>C, p.Gly978Ala (NM_001407879.1, NM_001407881.1, NM_001407882.1 and 13 more transcripts); c.3020G>C, p.Gly1007Ala (NM_001407919.1, NM_001407937.1, NM_001407938.1 and 19 more transcripts); c.2879G>C, p.Gly960Ala (NM_001407935.1, NM_001407920.1, NM_001407921.1 and 9 more transcripts); c.2876G>C, p.Gly959Ala (NM_001407936.1, NM_001407930.1, NM_001407931.1 and 2 more transcripts); and 41 more; short protein forms G1001A, G1006A, G920A, G921A, G960A, G981A, G1007A, G1021A.
Identifiers: ClinVar variation 5033213 (VCV005033213.1).